The following is an entry in ClinVar:

NM_020812.4(DOCK6):c.3939dup (p.Ser1314fs)

Genes: DOCK6 (dedicator of cytokinesis 6; minus strand), DOCK6-AS1 (DOCK6 antisense RNA 1; plus strand). Cytogenetic location: 19p13.2.
Variant type: Duplication.
Coding change: c.3939dup on transcript NM_020812.4 (MANE Select); coding-DNA position 3939, one base duplicated (A; older notation c.3939dupA).
Protein change: p.Ser1314fs; shifts the reading frame from serine 1314.
Molecular consequence: frameshift variant.
Genome position (GRCh38, 1-based): chr19:11,215,883, T duplicated on the plus strand (A on the coding strand, the reverse complement: DOCK6 is on the minus strand); the first of 6 consecutive T bases (chr19:11,215,883-11,215,888); duplicating any one gives the same sequence. VCF-style (leftmost placement, unchanged base first): chr19-11215882-A-AT. GRCh37 (hg19) VCF-style: chr19-11326558-A-AT.
Other names: c.4044dup, p.Ser1349fs (NM_001367830.1); short protein forms S1314fs, S1349fs.
Identifiers: ClinVar variation 3730627 (VCV003730627.3).

ClinVar aggregate classification (germline): Pathogenic. Review status: criteria provided, multiple submitters, no conflicts (2 of 4 stars). 2 submissions from 2 submitters: Pathogenic (2). Last evaluated 2026-09-03.

Conditions:
Fetal anomalies with a likely genetic cause.

Submissions (2):

Genetics Laboratory, Great Ormond Street Hospital NHS Foundation Trust, North Thames Genomic Laboratory Hub
Classification: Pathogenic for Fetal anomalies with a likely genetic cause. Last evaluated: 2026-09-03. Review status: criteria provided, single submitter. Criteria: ACGS Best Practice Guidelines for Variant Classification in Rare Disease 2024 v1.2. Collection method: clinical testing. Allele origin: germline. Affected: yes.
Comment: PM2_moderate, PVS1_very-strong

Labcorp Genetics (formerly Invitae), Labcorp
Classification: Pathogenic. Last evaluated: 2025-03-01. Review status: criteria provided, single submitter. Criteria: Invitae Variant Classification Sherloc (09022015). Collection method: clinical testing. Allele origin: germline.
Comment: This sequence change creates a premature translational stop signal (p.Ser1314Ilefs*28) in the DOCK6 gene. It is expected to result in an absent or disrupted protein product. Loss-of-function variants in DOCK6 are known to be pathogenic (PMID: 21820096, 25824905). This variant is not present in population databases (gnomAD no frequency). This variant has not been reported in the literature in individuals affected with DOCK6-related conditions. For these reasons, this variant has been classified as Pathogenic.

Literature cited by the submitters: PubMed 21820096 (cited by Labcorp Genetics (formerly Invitae), Labcorp); PubMed 25824905 (cited by Labcorp Genetics (formerly Invitae), Labcorp).